The following is an entry in ClinVar:

NC_000022.11:g.40345952G>T

Gene: ADSL (adenylosuccinate lyase; plus strand). Cytogenetic location: 22q13.1.
Variant type: single nucleotide variant.
Genome position: GRCh38 VCF-style: chr22-40345952-G-T. GRCh37 (hg19) VCF-style: chr22-40741956-G-T.
Identifiers: ClinVar variation 1497616 (VCV001497616.5), dbSNP rs2044120214, ClinGen allele CA2573158339.

ClinVar aggregate classification (germline): Uncertain significance (1 of 4 stars; one submission).

Conditions:
Adenylosuccinate lyase deficiency (ADSLD). Also called: ADSL DEFICIENCY. Identifiers: Orphanet 46, MedGen C0268126, MONDO:0007068, OMIM 103050.

Submission:

Labcorp Genetics (formerly Invitae), Labcorp
Classification: Uncertain significance for Adenylosuccinate lyase deficiency. Last evaluated: 2022-08-09. Review status: criteria provided, single submitter. Criteria: Invitae Variant Classification Sherloc (09022015). Collection method: clinical testing. Allele origin: germline.
Comment: In summary, the available evidence is currently insufficient to determine the role of this variant in disease. Therefore, it has been classified as a Variant of Uncertain Significance. Experimental studies and prediction algorithms are not available or were not evaluated, and the functional significance of this variant is currently unknown. This variant has not been reported in the literature in individuals affected with ADSL-related conditions. This variant is not present in population databases (gnomAD no frequency). This variant occurs in a non-coding region of the ADSL gene. It does not change the encoded amino acid sequence of the ADSL protein.